The following is an entry in ClinVar:

ClinVar aggregate classification (germline): Uncertain significance (1 of 4 stars; one submission).

Submission:

GeneDx
Classification: Uncertain significance. Last evaluated: 2022-06-10. Review status: criteria provided, single submitter. Criteria: GeneDx Variant Classification Process June 2021. Collection method: clinical testing. Allele origin: germline. Affected: yes.
Comment: Has not been previously published as pathogenic or benign to our knowledge; Not observed at significant frequency in large population cohorts (gnomAD); In silico analysis supports that this missense variant has a deleterious effect on protein structure/function

NM_001009999.3(KDM1A):c.940G>C (p.Ala314Pro)

Gene: KDM1A (lysine demethylase 1A; plus strand). Cytogenetic location: 1p36.12.
Variant type: single nucleotide variant.
Coding change: c.940G>C on transcript NM_001009999.3 (MANE Select); coding-DNA position 940, G replaced by C.
Protein change: p.Ala314Pro; replaces alanine 314 with proline.
Molecular consequence: missense variant.
Genome position (GRCh38, 1-based): chr1:23,055,988, G>C. VCF-style: chr1-23055988-G-C. GRCh37 (hg19) VCF-style: chr1-23382481-G-C.
Other names: c.880G>C, p.Ala294Pro (NM_001363654.2, NM_001410763.1, NM_015013.4); c.940G>C, p.Ala314Pro (NM_001410762.1); short protein forms A294P, A314P.
Identifiers: ClinVar variation 1803568 (VCV001803568.1), dbSNP rs2522694797, ClinGen allele CA338962916.
Genomic context (GRCh38, chr1:23,055,988, plus strand): 5'-TTAGCTAAAAAGACAGGAAAGGTAATTATTATAGGCTCTGGGGTCTCAGGCTTGGCAGCA[G>C]CTCGACAGTTACAAAGTTTTGGAATGGATGTCACACTTTTGGAAGCCAGGGTAAGAATTT-3'
Protein context (NP_001009999.1, residues 304-324): IGSGVSGLAA[Ala314Pro]RQLQSFGMDV